The following is an entry in ClinVar:

ClinVar aggregate classification (germline): Likely benign. Review status: criteria provided, multiple submitters, no conflicts (2 of 4 stars). 2 submissions from 2 submitters: Likely benign (2). Last evaluated 2025-10-01.

Conditions:
Fanconi anemia (FA). Also called: Fanconi's anemia. Identifiers: Orphanet 84, MedGen C0015625, MeSH D005199, MONDO:0019391.

Allele frequency attached by ClinVar (database versions not stated): ESP Exome Variant Server 0.00023; ExAC 0.00042.

Submissions (2):

CeGaT Center for Human Genetics Tuebingen
Classification: Likely benign. Last evaluated: 2025-10-01. Review status: criteria provided, single submitter. Criteria: CeGaT Center For Human Genetics Tuebingen Variant Classification Criteria Version 2. Collection method: clinical testing. Allele origin: germline. Affected: yes. Observed: 1 variant allele.
Comment: FANCD2: BP4, BP7

Sema4
Classification: Likely benign for Fanconi anemia. Last evaluated: 2021-08-17. Review status: criteria provided, single submitter. Criteria: Sema4 Curation Guidelines. Collection method: curation. Allele origin: germline.

NM_001018115.3(FANCD2):c.1419G>T (p.Val473=)

Genes: FANCD2 (FA complementation group D2; plus strand), LOC107303338 (3p25 FANCD2 Alu-mediated recombination region; plus strand). Cytogenetic location: 3p25.3.
Variant type: single nucleotide variant.
Coding change: c.1419G>T on transcript NM_001018115.3 (MANE Select); coding-DNA position 1419, G replaced by T.
Protein change: p.Val473=; no amino-acid change (valine 473 retained).
Molecular consequence: synonymous variant.
Genome position (GRCh38, 1-based): chr3:10,049,379, G>T. VCF-style: chr3-10049379-G-T. GRCh37 (hg19) VCF-style: chr3-10091063-G-T.
Other names: c.1419G>T, p.Val473= (NM_001319984.2, NM_001374253.1, NM_001374254.1 and 1 more transcripts).
Identifiers: ClinVar variation 1692031 (VCV001692031.7), dbSNP rs140350157, ClinGen allele CA2249662.